The following is an entry in ClinVar:

ClinVar aggregate classification (germline): Uncertain significance (1 of 4 stars; one submission).

Conditions:
Charcot-Marie-Tooth disease dominant intermediate B (CMTDIB). Also called: CHARCOT-MARIE-TOOTH NEUROPATHY, DOMINANT INTERMEDIATE B; Charcot-Marie-Tooth disease dominant intermediate 1; CMT DI1; Charcot-Marie-Tooth disease dominant intermediate I. Identifiers: Orphanet 100044, Orphanet 228179, MedGen C1847902, MONDO:0011674, OMIM 606482.

Allele frequency attached by ClinVar (database versions not stated): gnomAD exomes below 0.00001.
gnomAD v4.1: 1 of 1,610,764 alleles (0.000062%); highest among the groups gnomAD compares: Non-Finnish European, 0.000085%; no homozygotes.

Submission:

Labcorp Genetics (formerly Invitae), Labcorp
Classification: Uncertain significance for Charcot-Marie-Tooth disease dominant intermediate B. Last evaluated: 2022-04-01. Review status: criteria provided, single submitter. Criteria: Invitae Variant Classification Sherloc (09022015). Collection method: clinical testing. Allele origin: germline.
Comment: In summary, the available evidence is currently insufficient to determine the role of this variant in disease. Therefore, it has been classified as a Variant of Uncertain Significance. Algorithms developed to predict the effect of missense changes on protein structure and function are either unavailable or do not agree on the potential impact of this missense change (SIFT: "Deleterious"; PolyPhen-2: "Possibly Damaging"; Align-GVGD: "Class C0"). This sequence change replaces methionine, which is neutral and non-polar, with arginine, which is basic and polar, at codon 534 of the DNM2 protein (p.Met534Arg). This variant is not present in population databases (gnomAD no frequency). This variant has not been reported in the literature in individuals affected with DNM2-related conditions.

NM_001005361.3(DNM2):c.1601T>G (p.Met534Arg)

Gene: DNM2 (dynamin 2; plus strand). Cytogenetic location: 19p13.2.
Variant type: single nucleotide variant.
Coding change: c.1601T>G on transcript NM_001005361.3 (MANE Select); coding-DNA position 1601, T replaced by G.
Protein change: p.Met534Arg; replaces methionine 534 with arginine.
Molecular consequence: missense variant.
Genome position (GRCh38, 1-based): chr19:10,812,307, T>G. VCF-style: chr19-10812307-T-G. GRCh37 (hg19) VCF-style: chr19-10922983-T-G.
Other names: c.1601T>G, p.Met534Arg (NM_001005360.3, NM_001190716.2); c.1589T>G, p.Met530Arg (NM_001005362.3, NM_004945.4); short protein forms M530R, M534R.
Identifiers: ClinVar variation 2120096 (VCV002120096.4), dbSNP rs2513304368, ClinGen allele CA404039491.
Genomic context (GRCh38, chr19:10,812,307, plus strand): 5'-TGCGCGCTTTCCCCCAGGTGATCCGCAGGGGCTGGCTGACCATCAACAACATCAGCCTGA[T>G]GAAAGGCGGCTCCAAGGAGTACTGGTTTGTGCTGACTGCCGAGTCACTGTCCTGGTACAA-3'
Protein context (NP_001005361.1, residues 524-544): GWLTINNISL[Met534Arg]KGGSKEYWFV